The following is an entry in ClinVar:

ClinVar aggregate classification (germline): Uncertain significance (1 of 4 stars; one submission).

Conditions:
Brugada syndrome 8 (BRGDA8). Identifiers: Orphanet 130, MedGen C2751083, MONDO:0013148, OMIM 613123.

Submission:

Labcorp Genetics (formerly Invitae), Labcorp
Classification: Uncertain significance for Brugada syndrome 8. Last evaluated: 2025-07-22. Review status: criteria provided, single submitter. Criteria: Invitae Variant Classification Sherloc (09022015). Collection method: clinical testing. Allele origin: germline.
Comment: This sequence change replaces glutamine, which is neutral and polar, with leucine, which is neutral and non-polar, at codon 331 of the HCN4 protein (p.Gln331Leu). This variant is not present in population databases (gnomAD no frequency). This variant has not been reported in the literature in individuals affected with HCN4-related conditions. Invitae Evidence Modeling of protein sequence and biophysical properties (such as structural, functional, and spatial information, amino acid conservation, physicochemical variation, residue mobility, and thermodynamic stability) has been performed for this missense variant. However, the output from this modeling did not meet the statistical confidence thresholds required to predict the impact of this variant on HCN4 protein function. In summary, the available evidence is currently insufficient to determine the role of this variant in disease. Therefore, it has been classified as a Variant of Uncertain Significance.

NM_005477.3(HCN4):c.992A>T (p.Gln331Leu)

Genes: HCN4 (hyperpolarization activated cyclic nucleotide gated potassium channel 4; minus strand), LOC105370890 (uncharacterized LOC105370890; plus strand), LOC126862173 (CDK7 strongly-dependent group 2 enhancer GRCh37_chr15:73635762-73636961; plus strand). Cytogenetic location: 15q24.1.
Variant type: single nucleotide variant.
Coding change: c.992A>T on transcript NM_005477.3 (MANE Select); coding-DNA position 992, A replaced by T.
Protein change: p.Gln331Leu; replaces glutamine 331 with leucine.
Molecular consequence: missense variant.
Genome position (GRCh38, 1-based): chr15:73,343,602, T>A on the plus strand (A>T on the coding strand, the complement: HCN4 is on the minus strand). VCF-style: chr15-73343602-T-A. GRCh37 (hg19) VCF-style: chr15-73635943-T-A.
Other names: short protein forms Q331L.
Identifiers: ClinVar variation 4709585 (VCV004709585.1).
Genomic context (GRCh38, chr15:73,343,602, plus strand): 5'-GGGATGGAGGAAATGAAATCTACCATGAACCAGCTTTTCAGGTACTTCATTTTAATCCGC[T>A]GCGGGTCCAGGATGATCTCTGTGTTGTCCTCCACCACGATCCCTGTGCGGAAGTTGAGGA-3'
Protein context (NP_005468.1, residues 321-341): EDNTEIILDP[Gln331Leu]RIKMKYLKSW